The following is an entry in ClinVar:

ClinVar aggregate classification (germline): not provided (0 of 4 stars; one submission).

Submission:

ITMI
No classification provided. Condition: AllHighlyPenetrant. Last evaluated: 2013-09-19. Review status: no classification provided. Collection method: reference population. Allele origin: germline.
Comment: Please see associated publication for description of ethnicities

Literature cited by the submitters: PubMed 24728327.

NM_001211.6(BUB1B):c.1041_1042del (p.Ala348fs)

Gene: BUB1B (BUB1 mitotic checkpoint serine/threonine kinase B; plus strand). Cytogenetic location: 15q15.1.
Variant type: Deletion.
Coding change: c.1041_1042del on transcript NM_001211.6 (MANE Select); coding-DNA positions 1041 to 1042, 2 bases deleted (TG; older notation c.1041_1042delTG).
Protein change: p.Ala348fs; shifts the reading frame from alanine 348.
Molecular consequence: frameshift variant.
Genome position (GRCh38, 1-based): chr15:40,185,625-40,185,626, TG deleted. VCF-style (leftmost placement, unchanged base first): chr15-40185624-CTG-C. GRCh37 (hg19) VCF-style: chr15-40477825-CTG-C.
Other names: short protein forms A348fs.
Identifiers: ClinVar variation 133778 (VCV000133778.1), dbSNP rs587778148, ClinGen allele CA157786.